The following is an entry in ClinVar:

NM_002055.5(GFAP):c.980C>T (p.Ala327Val)

Gene: GFAP (glial fibrillary acidic protein; minus strand). Cytogenetic location: 17q21.31.
Variant type: single nucleotide variant.
Coding change: c.980C>T on transcript NM_002055.5 (MANE Select); coding-DNA position 980, C replaced by T.
Protein change: p.Ala327Val; replaces alanine 327 with valine.
Molecular consequence: missense variant.
Genome position (GRCh38, 1-based): chr17:44,911,383, G>A on the plus strand (C>T on the coding strand, the complement: GFAP is on the minus strand). VCF-style: chr17-44911383-G-A. GRCh37 (hg19) VCF-style: chr17-42988751-G-A.
Other names: c.980C>T, p.Ala327Val (NM_001131019.3, NM_001242376.3, NM_001363846.2); short protein forms A327V.
Identifiers: ClinVar variation 3364180 (VCV003364180.2).

ClinVar aggregate classification (germline): Uncertain significance (1 of 4 stars; one submission).

Conditions:
Alexander disease (ALXDRD). Also called: Alexander's disease. Identifiers: Orphanet 58, MedGen C0270726, MONDO:0008752, OMIM 203450.

gnomAD v4.1: 2 of 1,614,020 alleles (0.00012%); highest among the groups gnomAD compares: Non-Finnish European, 0.00017%; no homozygotes.

Submission:

GeneDx
Classification: Uncertain significance. Last evaluated: 2023-11-10. Review status: criteria provided, single submitter. Criteria: GeneDx Variant Classification Process June 2021. Collection method: clinical testing. Allele origin: germline. Affected: yes.
Comment: Not observed at significant frequency in large population cohorts (gnomAD); In silico analysis supports that this missense variant does not alter protein structure/function; Has not been previously published as pathogenic or benign to our knowledge